The following is an entry in ClinVar:

NM_002240.5(KCNJ6):c.1105G>A (p.Glu369Lys)

Genes: KCNJ6-AS1 (KCNJ6 antisense RNA 1; plus strand), KCNJ6 (potassium inwardly rectifying channel subfamily J member 6; minus strand). Cytogenetic location: 21q22.13.
Variant type: single nucleotide variant.
Coding change: c.1105G>A on transcript NM_002240.5 (MANE Select); coding-DNA position 1105, G replaced by A.
Protein change: p.Glu369Lys; replaces glutamic acid 369 with lysine.
Molecular consequence: missense variant.
Genome position (GRCh38, 1-based): chr21:37,625,326, C>T on the plus strand (G>A on the coding strand, the complement: KCNJ6 is on the minus strand). VCF-style: chr21-37625326-C-T. GRCh37 (hg19) VCF-style: chr21-38997628-C-T.
Other names: short protein forms E369K.
Identifiers: ClinVar variation 3368134 (VCV003368134.1).

ClinVar aggregate classification (germline): Uncertain significance (1 of 4 stars; one submission).

gnomAD v4.1: 1 of 1,614,218 alleles (0.000062%); highest among the groups gnomAD compares: Admixed American, 0.0017%; no homozygotes.

Submission:

GeneDx
Classification: Uncertain significance. Last evaluated: 2024-01-18. Review status: criteria provided, single submitter. Criteria: GeneDx Variant Classification Process June 2021. Collection method: clinical testing. Allele origin: germline. Affected: yes.
Comment: In silico analysis supports that this missense variant has a deleterious effect on protein structure/function; Has not been previously published as pathogenic or benign to our knowledge